The following is an entry in ClinVar:

ClinVar aggregate classification (germline): Uncertain significance (1 of 4 stars; one submission).

Conditions:
Hereditary cancer-predisposing syndrome. Also called: Hereditary neoplastic syndrome; Neoplastic Syndromes, Hereditary; Tumor predisposition; Hereditary Cancer Syndrome. Identifiers: Orphanet 140162, MedGen C0027672, MeSH D009386, MONDO:0015356.

Submission:

Ambry Genetics
Classification: Uncertain significance for Hereditary cancer-predisposing syndrome. Last evaluated: 2020-08-31. Review status: criteria provided, single submitter. Criteria: Ambry Variant Classification Scheme 2023. Collection method: clinical testing. Allele origin: germline.
Comment: The p.I1960F variant (also known as c.5878A>T), located in coding exon 38 of the ATM gene, results from an A to T substitution at nucleotide position 5878. The isoleucine at codon 1960 is replaced by phenylalanine, an amino acid with highly similar properties. This amino acid position is highly conserved in available vertebrate species. In addition, the in silico prediction for this alteration is inconclusive. Since supporting evidence is limited at this time, the clinical significance of this alteration remains unclear.

NM_000051.4(ATM):c.5878A>T (p.Ile1960Phe)

Genes: ATM (ATM serine/threonine kinase; plus strand), C11orf65 (chromosome 11 open reading frame 65; minus strand). Cytogenetic location: 11q22.3.
Variant type: single nucleotide variant.
Coding change: c.5878A>T on transcript NM_000051.4 (MANE Select); coding-DNA position 5878, A replaced by T.
Protein change: p.Ile1960Phe; replaces isoleucine 1960 with phenylalanine.
Molecular consequence: missense variant. On other transcripts: intron variant (2).
Genome position (GRCh38, 1-based): chr11:108,310,275, A>T. VCF-style: chr11-108310275-A-T. GRCh37 (hg19) VCF-style: chr11-108181002-A-T.
Other names: c.5878A>T, p.Ile1960Phe (NM_001351834.2); c.641-1204T>A (NM_001330368.2); c.*39-1204T>A (NM_001351110.2); short protein forms I1960F.
Identifiers: ClinVar variation 1750230 (VCV001750230.2), dbSNP rs2136017514, ClinGen allele CA382548520.